The following is an entry in ClinVar:

NM_000066.4(C8B):c.935dup (p.Met312fs)

Gene: C8B (complement C8 beta chain; minus strand). Cytogenetic location: 1p32.2.
Variant type: Duplication.
Coding change: c.935dup on transcript NM_000066.4 (MANE Select); coding-DNA position 935, one base duplicated (T; older notation c.935dupT).
Protein change: p.Met312fs; shifts the reading frame from methionine 312.
Molecular consequence: frameshift variant.
Genome position (GRCh38, 1-based): chr1:56,945,991, A duplicated on the plus strand (T on the coding strand, the reverse complement: C8B is on the minus strand). VCF-style (leftmost placement, unchanged base first): chr1-56945990-C-CA. GRCh37 (hg19) VCF-style: chr1-57411663-C-CA.
Other names: c.779dup, p.Met260fs (NM_001278543.2); c.749dup, p.Met250fs (NM_001278544.2); short protein forms M250fs, M260fs, M312fs.
Identifiers: ClinVar variation 3657543 (VCV003657543.2).

ClinVar aggregate classification (germline): Pathogenic (1 of 4 stars; one submission).

Submission:

Labcorp Genetics (formerly Invitae), Labcorp
Classification: Pathogenic. Last evaluated: 2024-06-23. Review status: criteria provided, single submitter. Criteria: Invitae Variant Classification Sherloc (09022015). Collection method: clinical testing. Allele origin: germline.
Comment: This sequence change creates a premature translational stop signal (p.Met312Ilefs*11) in the C8B gene. It is expected to result in an absent or disrupted protein product. Loss-of-function variants in C8B are known to be pathogenic (PMID: 7594510). This variant is not present in population databases (gnomAD no frequency). This variant has not been reported in the literature in individuals affected with C8B-related conditions. Algorithms developed to predict the effect of sequence changes on RNA splicing suggest that this variant may disrupt the consensus splice site. For these reasons, this variant has been classified as Pathogenic.

Literature cited by the submitters: PubMed 7594510.